The following is an entry in ClinVar:

ClinVar aggregate classification (germline): Uncertain significance (1 of 4 stars; one submission).

Conditions:
Megalencephaly-polymicrogyria-postaxial polydactyly-hydrocephalus syndrome. Also called: MPPH Syndrome; MEG-PMG-MEGACC SYNDROME. Identifiers: Orphanet 83473, MedGen C1863924, MONDO:0019375.

Submission:

Labcorp Genetics (formerly Invitae), Labcorp
Classification: Uncertain significance for Megalencephaly-polymicrogyria-postaxial polydactyly-hydrocephalus syndrome. Last evaluated: 2024-03-12. Review status: criteria provided, single submitter. Criteria: Invitae Variant Classification Sherloc (09022015). Collection method: clinical testing. Allele origin: germline.
Comment: This sequence change replaces aspartic acid, which is acidic and polar, with glutamic acid, which is acidic and polar, at codon 141 of the PIK3R2 protein (p.Asp141Glu). This variant is not present in population databases (gnomAD no frequency). This variant has not been reported in the literature in individuals affected with PIK3R2-related conditions. Advanced modeling of protein sequence and biophysical properties (such as structural, functional, and spatial information, amino acid conservation, physicochemical variation, residue mobility, and thermodynamic stability) performed at Invitae indicates that this missense variant is not expected to disrupt PIK3R2 protein function with a negative predictive value of 95%. In summary, the available evidence is currently insufficient to determine the role of this variant in disease. Therefore, it has been classified as a Variant of Uncertain Significance.

NM_005027.4(PIK3R2):c.423C>G (p.Asp141Glu)

Gene: PIK3R2 (phosphoinositide-3-kinase regulatory subunit 2; plus strand). Cytogenetic location: 19p13.11.
Variant type: single nucleotide variant.
Coding change: c.423C>G on transcript NM_005027.4 (MANE Select); coding-DNA position 423, C replaced by G.
Protein change: p.Asp141Glu; replaces aspartic acid 141 with glutamic acid.
Molecular consequence: missense variant. On other transcripts: non-coding transcript variant (2).
Genome position (GRCh38, 1-based): chr19:18,160,926, C>G. VCF-style: chr19-18160926-C-G. GRCh37 (hg19) VCF-style: chr19-18271736-C-G.
Other names: short protein forms D141E.
Identifiers: ClinVar variation 3630575 (VCV003630575.2).